The following is an entry in ClinVar:

Conditions:
Breast-ovarian cancer, familial, susceptibility to, 1 (BROVCA1). Also called: BRCA1 Hereditary Breast and Ovarian Cancer; OVARIAN CANCER, SUSCEPTIBILITY TO. Identifiers: Orphanet 145, MedGen C2676676, MONDO:0011450, OMIM 604370. Disease mechanism: loss of function.

Submission:

Brotman Baty Institute, University of Washington
No classification provided (evidence only). Condition: Breast-ovarian cancer, familial 1. Review status: no classification provided. Collection method: in vitro. Allele origin: not applicable. Functional consequence: functionally_normal.
ClinVar note: "not provided" was previously submitted as the classification for the variant. However, the classification appeared to be based only on an observation of functional data so it was converted to no classification on 2025-07-30.

NM_007294.4(BRCA1):c.5193+16T>A

Gene: BRCA1 (BRCA1 DNA repair associated; minus strand). Cytogenetic location: 17q21.31.
Variant type: single nucleotide variant.
Coding change: c.5193+16T>A on transcript NM_007294.4 (MANE Select); 16 bases into the intron after coding-DNA position 5193, T replaced by A.
Molecular consequence: intron variant.
Genome position (GRCh38, 1-based): chr17:43,063,317, A>T on the plus strand (T>A on the coding strand, the complement: BRCA1 is on the minus strand). VCF-style: chr17-43063317-A-T. GRCh37 (hg19) VCF-style: chr17-41215334-A-T.
Other names: c.2589+16T>A (NM_001407968.1); c.5187+16T>A (NM_001407640.1, NM_001407631.1, NM_001407638.1 and 14 more transcripts); c.5190+16T>A (NM_001407626.1, NM_001407617.1, NM_001407622.1 and 17 more transcripts); c.5115+16T>A (NM_001407652.1, NM_001407653.1, NM_001407655.1 and 1 more transcripts); c.5193+16T>A (NM_001407854.1, NM_001407598.1, NM_001407596.1 and 7 more transcripts); c.1668+16T>A (NM_001408492.1, NM_001408493.1); c.1737+16T>A (NM_001408468.1, NM_001408470.1, NM_001408469.1); c.5046+16T>A (NM_001407842.1, NM_001407846.1, NM_001407850.1 and 12 more transcripts); and 72 more.
Identifiers: ClinVar variation 865121 (VCV000865121.3), dbSNP rs2051850436, ClinGen allele CA916080007.